The following is an entry in ClinVar:

NM_004541.4(NDUFA1):c.153T>G (p.Asp51Glu)

Gene: NDUFA1 (NADH:ubiquinone oxidoreductase subunit A1; plus strand). Cytogenetic location: Xq24.
Variant type: single nucleotide variant.
Coding change: c.153T>G on transcript NM_004541.4 (MANE Select); coding-DNA position 153, T replaced by G.
Protein change: p.Asp51Glu; replaces aspartic acid 51 with glutamic acid.
Molecular consequence: missense variant.
Genome position (GRCh38, 1-based): chrX:119,873,354, T>G. VCF-style: chrX-119873354-T-G. GRCh37 (hg19) VCF-style: chrX-119007317-T-G.
Other names: short protein forms D51E.
Identifiers: ClinVar variation 1695562 (VCV001695562.2), dbSNP rs2147813978, ClinGen allele CA414190480.

ClinVar aggregate classification (germline): Uncertain significance (1 of 4 stars; one submission).

Submission:

GeneDx
Classification: Uncertain significance. Last evaluated: 2022-01-08. Review status: criteria provided, single submitter. Criteria: GeneDx Variant Classification Process June 2021. Collection method: clinical testing. Allele origin: germline. Affected: yes.
Comment: Not observed at significant frequency in large population cohorts (gnomAD); In silico analysis supports that this missense variant has a deleterious effect on protein structure/function; Has not been previously published as pathogenic or benign to our knowledge